The following is an entry in ClinVar:

NM_198514.4(NHLRC2):c.1925-9G>T

Gene: NHLRC2 (NHL repeat containing 2; plus strand). Cytogenetic location: 10q25.3.
Variant type: single nucleotide variant.
Coding change: c.1925-9G>T on transcript NM_198514.4 (MANE Select); 9 bases into the intron before coding-DNA position 1925, G replaced by T.
Molecular consequence: intron variant.
Genome position (GRCh38, 1-based): chr10:113,908,271, G>T. VCF-style: chr10-113908271-G-T. GRCh37 (hg19) VCF-style: chr10-115668030-G-T.
Identifiers: ClinVar variation 3045669 (VCV003045669.3), dbSNP rs1426748970, ClinGen allele CA596114133.

ClinVar aggregate classification (germline): Likely benign. Review status: criteria provided, single submitter (1 of 4 stars). 2 submissions from 2 submitters: Likely benign (1). 1 of the submissions does not count toward it. Last evaluated 2024-06-12.

Conditions:
NHLRC2-related disorder. Also called: NHLRC2-related condition.

Allele frequency attached by ClinVar (database versions not stated): gnomAD 0.00001; gnomAD exomes 0.00001; TOPMed 0.00002.
gnomAD v4.1: 5 of 1,608,884 alleles (0.00031%); highest among the groups gnomAD compares: African/African-American, 0.0027%; no homozygotes.

Submissions (2):

Blueprint Genetics
Classification: Likely benign. Last evaluated: 2024-06-12. Review status: criteria provided, single submitter. Criteria: ACMG Guidelines, 2015. Collection method: clinical testing. Allele origin: germline.

PreventionGenetics, part of Exact Sciences
Classification: Likely benign for NHLRC2-related condition. Last evaluated: 2019-10-30. Review status: no assertion criteria provided. Collection method: clinical testing. Allele origin: germline. Not counted in ClinVar's aggregate classification.
Comment: This variant is classified as likely benign based on ACMG/AMP sequence variant interpretation guidelines (Richards et al. 2015 PMID: 25741868, with internal and published modifications).